The following is an entry in ClinVar:

ClinVar aggregate classification (germline): Uncertain significance (1 of 4 stars; one submission).

Allele frequency attached by ClinVar (database versions not stated): TOPMed below 0.00001.

Submission:

Ambry Genetics
Classification: Uncertain significance. Last evaluated: 2023-06-10. Review status: criteria provided, single submitter. Criteria: Ambry Variant Classification Scheme 2023. Collection method: clinical testing. Allele origin: germline.
Comment: The p.A1611T variant (also known as c.4831G>A), located in coding exon 43 of the KIF1B gene, results from a G to A substitution at nucleotide position 4831. The alanine at codon 1611 is replaced by threonine, an amino acid with similar properties. This amino acid position is conserved. In addition, this alteration is predicted to be tolerated by in silico analysis. Since supporting evidence is limited at this time, the clinical significance of this alteration remains unclear.

NM_001365951.3(KIF1B):c.4969G>A (p.Ala1657Thr)

Gene: KIF1B (kinesin family member 1B; plus strand). Cytogenetic location: 1p36.22.
Variant type: single nucleotide variant.
Coding change: c.4969G>A on transcript NM_001365951.3 (MANE Select); coding-DNA position 4969, G replaced by A.
Protein change: p.Ala1657Thr; replaces alanine 1657 with threonine.
Molecular consequence: missense variant.
Genome position (GRCh38, 1-based): chr1:10,374,338, G>A. VCF-style: chr1-10374338-G-A. GRCh37 (hg19) VCF-style: chr1-10434396-G-A.
Other names: c.4969G>A, p.Ala1657Thr (NM_001365952.1); c.4831G>A, p.Ala1611Thr (NM_015074.3); short protein forms A1611T, A1657T.
Identifiers: ClinVar variation 2563664 (VCV002563664.2), dbSNP rs886504706, ClinGen allele CA17855863.